The following is an entry in ClinVar:

ClinVar aggregate classification (germline): Uncertain significance (1 of 4 stars; one submission).

Allele frequency attached by ClinVar (database versions not stated): TOPMed below 0.00001.

Submission:

Labcorp Genetics (formerly Invitae), Labcorp
Classification: Uncertain significance. Last evaluated: 2021-12-05. Review status: criteria provided, single submitter. Criteria: Invitae Variant Classification Sherloc (09022015). Collection method: clinical testing. Allele origin: germline.
Comment: This sequence change replaces alanine, which is neutral and non-polar, with serine, which is neutral and polar, at codon 151 of the HES7 protein (p.Ala151Ser). This variant is not present in population databases (gnomAD no frequency). This variant has not been reported in the literature in individuals affected with HES7-related conditions. Algorithms developed to predict the effect of missense changes on protein structure and function output the following: SIFT: "Tolerated"; PolyPhen-2: "Benign"; Align-GVGD: "Class C0". The serine amino acid residue is found in multiple mammalian species, which suggests that this missense change does not adversely affect protein function. In summary, the available evidence is currently insufficient to determine the role of this variant in disease. Therefore, it has been classified as a Variant of Uncertain Significance.

NM_001165967.2(HES7):c.466G>T (p.Ala156Ser)

Genes: HES7 (hes family bHLH transcription factor 7; minus strand), LOC130060203 (ATAC-STARR-seq lymphoblastoid silent region 8155; plus strand). Cytogenetic location: 17p13.1.
Variant type: single nucleotide variant.
Coding change: c.466G>T on transcript NM_001165967.2 (MANE Select); coding-DNA position 466, G replaced by T.
Protein change: p.Ala156Ser; replaces alanine 156 with serine.
Molecular consequence: missense variant.
Genome position (GRCh38, 1-based): chr17:8,121,798, C>A on the plus strand (G>T on the coding strand, the complement: HES7 is on the minus strand). VCF-style: chr17-8121798-C-A. GRCh37 (hg19) VCF-style: chr17-8025116-C-A.
Other names: c.451G>T, p.Ala151Ser (NM_032580.4); short protein forms A151S, A156S.
Identifiers: ClinVar variation 1984931 (VCV001984931.4), dbSNP rs1981346313, ClinGen allele CA397988044.